The following is an entry in ClinVar:

ClinVar aggregate classification (germline): Benign. Review status: criteria provided, single submitter (1 of 4 stars). 2 submissions from 2 submitters: Benign (1). 1 of the submissions does not count toward it. Last evaluated 2025-10-11.

Conditions:
SLC39A14-related disorder. Also called: SLC39A14-related condition.

Allele frequency attached by ClinVar (database versions not stated): TOPMed 0.00010; ExAC 0.00012; ESP Exome Variant Server 0.00015; gnomAD 0.00015; gnomAD exomes 0.00015 and 0.00025; 1000 Genomes Project 30x 0.00031; 1000 Genomes Project 0.00040.
gnomAD v4.1: 377 of 1,614,052 alleles (0.023%); highest among the groups gnomAD compares: Non-Finnish European, 0.029%; 1 homozygote.

Submissions (2):

Labcorp Genetics (formerly Invitae), Labcorp
Classification: Benign. Last evaluated: 2025-10-11. Review status: criteria provided, single submitter. Criteria: Invitae Variant Classification Sherloc (09022015). Collection method: clinical testing. Allele origin: germline.

PreventionGenetics, part of Exact Sciences
Classification: Likely benign for SLC39A14-related condition. Last evaluated: 2019-09-26. Review status: no assertion criteria provided. Collection method: clinical testing. Allele origin: germline. Not counted in ClinVar's aggregate classification.
Comment: This variant is classified as likely benign based on ACMG/AMP sequence variant interpretation guidelines (Richards et al. 2015 PMID: 25741868, with internal and published modifications).

NM_001128431.4(SLC39A14):c.999C>T (p.Ile333=)

Gene: SLC39A14 (solute carrier family 39 member 14; plus strand). Cytogenetic location: 8p21.3.
Variant type: single nucleotide variant.
Coding change: c.999C>T on transcript NM_001128431.4 (MANE Select); coding-DNA position 999, C replaced by T.
Protein change: p.Ile333=; no amino-acid change (isoleucine 333 retained).
Molecular consequence: synonymous variant.
Genome position (GRCh38, 1-based): chr8:22,416,132, C>T. VCF-style: chr8-22416132-C-T. GRCh37 (hg19) VCF-style: chr8-22273645-C-T.
Other names: c.999C>T (NM_015359.4); c.999C>T, p.Ile333= (NM_001135153.3, NM_001135154.3, NM_001351655.2 and 3 more transcripts); c.1029C>T, p.Ile343= (NM_001351657.2, NM_001351658.2, NM_001351659.2).
Identifiers: ClinVar variation 758993 (VCV000758993.10), dbSNP rs150010136, ClinGen allele CA4667498.